The following is an entry in ClinVar:

ClinVar aggregate classification (germline): Uncertain significance (1 of 4 stars; one submission).

Conditions:
Hereditary cancer-predisposing syndrome. Also called: Hereditary Cancer Syndrome; Hereditary neoplastic syndrome; Neoplastic Syndromes, Hereditary; Tumor predisposition. Identifiers: Orphanet 140162, MedGen C0027672, MeSH D009386, MONDO:0015356.

Submission:

Ambry Genetics
Classification: Uncertain significance for Hereditary cancer-predisposing syndrome. Last evaluated: 2025-06-08. Review status: criteria provided, single submitter. Criteria: Ambry Variant Classification Scheme 2023. Collection method: clinical testing. Allele origin: germline.
Comment: The p.A347D variant (also known as c.1040C>A), located in coding exon 9 of the MRE11A gene, results from a C to A substitution at nucleotide position 1040. The alanine at codon 347 is replaced by aspartic acid, an amino acid with dissimilar properties. This amino acid position is conserved. In addition, this alteration is predicted to be deleterious by in silico analysis. Based on the available evidence, the clinical significance of this variant remains unclear.

NM_005591.4(MRE11):c.1040C>A (p.Ala347Asp)

Gene: MRE11 (MRE11 double strand break repair nuclease; minus strand). Cytogenetic location: 11q21.
Variant type: single nucleotide variant.
Coding change: c.1040C>A on transcript NM_005591.4 (MANE Select); coding-DNA position 1040, C replaced by A.
Protein change: p.Ala347Asp; replaces alanine 347 with aspartic acid.
Molecular consequence: missense variant.
Genome position (GRCh38, 1-based): chr11:94,467,871, G>T on the plus strand (C>A on the coding strand, the complement: MRE11 is on the minus strand). VCF-style: chr11-94467871-G-T. GRCh37 (hg19) VCF-style: chr11-94201037-G-T.
Other names: c.1040C>A, p.Ala347Asp (NM_001330347.2, NM_005590.4); short protein forms A347D.
Identifiers: ClinVar variation 3912895 (VCV003912895.1).